The following is an entry in ClinVar:

ClinVar aggregate classification (germline): Pathogenic (1 of 4 stars; one submission).

Submission:

GeneDx
Classification: Pathogenic. Last evaluated: 2016-01-20. Review status: criteria provided, single submitter. Criteria: GeneDx Variant Classification (06012015). Collection method: clinical testing. Allele origin: germline. Affected: yes.
Comment: The c.379delC pathogenic variant in the ZEB2 gene has not been reported previously as a pathogenic variant nor as a benign variant, to our knowledge. The c.379delC variant causes a frameshift starting with codon Glutamine 127, changes this amino acid to an Arginine residue, and creates a premature Stop codon at position 9 of the new reading frame, denoted p.Gln127ArgfsX9. This variant is predicted to cause loss of normal protein function either through protein truncation or nonsense-mediated mRNA decay. The c.379delC variant was not observed in approximately 6500 individuals of European and African American ancestry in the NHLBI Exome Sequencing Project, indicating it is not a common benign variant in these populations. We interpret c.379delC as a pathogenic variant.

NM_014795.4(ZEB2):c.379del (p.Gln127fs)

Gene: ZEB2 (zinc finger E-box binding homeobox 2; minus strand). Cytogenetic location: 2q22.3.
Variant type: Deletion.
Coding change: c.379del on transcript NM_014795.4 (MANE Select); coding-DNA position 379, one base deleted (C; older notation c.379delC).
Protein change: p.Gln127fs; shifts the reading frame from glutamine 127.
Molecular consequence: frameshift variant. On other transcripts: intron variant (1).
Genome position (GRCh38, 1-based): chr2:144,424,820, G deleted on the plus strand (C on the coding strand, the reverse complement: ZEB2 is on the minus strand); the first of 2 consecutive G bases (chr2:144,424,820-144,424,821); deleting either gives the same sequence. VCF-style (leftmost placement, unchanged base first): chr2-144424819-TG-T. GRCh37 (hg19) VCF-style: chr2-145182386-TG-T.
Other names: c.331+4949del (NM_001171653.2); short protein forms Q127fs.
Identifiers: ClinVar variation 280252 (VCV000280252.2), dbSNP rs886041489, ClinGen allele CA10602800.
Genomic context (GRCh38, chr2:144,424,819, plus strand): 5'-GGACAAATGTGATCTGAGCGTGGCCAACATAACTCACCTGTACCATTGTTAATTGCGGTC[TG>T]GATCGTGGCTTCTGGCCCCATAGTGTCATAGTCTTCCTTCATTTCTTCTGTGGGGGAAAA-3'